The following is an entry in ClinVar:

NM_004655.4(AXIN2):c.2256A>G (p.Lys752=)

Gene: AXIN2 (axin 2; minus strand). Cytogenetic location: 17q24.1.
Variant type: single nucleotide variant.
Coding change: c.2256A>G on transcript NM_004655.4 (MANE Select); coding-DNA position 2256, A replaced by G.
Protein change: p.Lys752=; no amino-acid change (lysine 752 retained).
Molecular consequence: synonymous variant.
Genome position (GRCh38, 1-based): chr17:65,534,061, T>C on the plus strand (A>G on the coding strand, the complement: AXIN2 is on the minus strand). VCF-style: chr17-65534061-T-C. GRCh37 (hg19) VCF-style: chr17-63530179-T-C.
Other names: c.2256A>G (NM_004655.3); c.2061A>G, p.Lys687= (NM_001363813.1).
Identifiers: ClinVar variation 1085926 (VCV001085926.11), dbSNP rs1362609959, ClinGen allele CA501476011.

ClinVar aggregate classification (germline): Benign/Likely benign. Review status: criteria provided, multiple submitters, no conflicts (2 of 4 stars). 3 submissions from 3 submitters: Benign (1); Likely benign (2). Last evaluated 2025-08-07.

Conditions:
Hereditary cancer-predisposing syndrome. Also called: Hereditary Cancer Syndrome; Neoplastic Syndromes, Hereditary; Tumor predisposition; Hereditary neoplastic syndrome. Identifiers: Orphanet 140162, MedGen C0027672, MeSH D009386, MONDO:0015356.
Oligodontia-cancer predisposition syndrome. Also called: TOOTH AGENESIS-COLORECTAL CANCER SYNDROME. Identifiers: Orphanet 300576, MedGen C1837750, MONDO:0012075, OMIM 608615. Disease mechanism: loss of function.

Allele frequency attached by ClinVar (database versions not stated): gnomAD exomes below 0.00001 and 0.00001; gnomAD 0.00001.

Submissions (3):

Ambry Genetics
Classification: Likely benign for Hereditary cancer-predisposing syndrome. Last evaluated: 2025-08-07. Review status: criteria provided, single submitter. Criteria: Ambry Variant Classification Scheme 2023. Collection method: clinical testing. Allele origin: germline.

Labcorp Genetics (formerly Invitae), Labcorp
Classification: Likely benign for Oligodontia-cancer predisposition syndrome. Last evaluated: 2024-10-15. Review status: criteria provided, single submitter. Criteria: Invitae Variant Classification Sherloc (09022015). Collection method: clinical testing. Allele origin: germline.

Myriad Genetics, Inc.
Classification: Benign for Oligodontia-cancer predisposition syndrome. Last evaluated: 2024-07-10. Review status: criteria provided, single submitter. Criteria: Myriad Autosomal Dominant, Autosomal Recessive and X-Linked Classification Criteria (2023). Collection method: clinical testing. Allele origin: unknown.
Comment: This variant is considered benign. This variant is a silent/synonymous amino acid change and it is not expected to impact splicing.